The following is an entry in ClinVar:

NM_000219.6(KCNE1):c.104C>G (p.Pro35Arg)

Gene: KCNE1 (potassium voltage-gated channel subfamily E regulatory subunit 1; minus strand). Cytogenetic location: 21q22.12.
Variant type: single nucleotide variant.
Coding change: c.104C>G on transcript NM_000219.6 (MANE Select); coding-DNA position 104, C replaced by G.
Protein change: p.Pro35Arg; replaces proline 35 with arginine.
Molecular consequence: missense variant.
Genome position (GRCh38, 1-based): chr21:34,449,531, G>C on the plus strand (C>G on the coding strand, the complement: KCNE1 is on the minus strand). VCF-style: chr21-34449531-G-C. GRCh37 (hg19) VCF-style: chr21-35821829-G-C.
Other names: c.104C>G, p.Pro35Arg (NM_001127668.4, NM_001127669.4, NM_001127670.4 and 4 more transcripts); short protein forms P35R.
Identifiers: ClinVar variation 3374060 (VCV003374060.2).

Conditions:
Long QT syndrome 5 (LQT5). Identifiers: Orphanet 101016, Orphanet 768, MedGen C1867904, MONDO:0013372, OMIM 613695.

Submission:

Roden Lab, Vanderbilt University Medical Center
No classification provided (evidence only). Condition: Long QT syndrome 5. Review status: no classification provided. Collection method: in vitro. Allele origin: not applicable. Functional consequence: Effect on ion channel function.
ClinVar note: "not provided" was previously submitted as the classification for the variant. However, the classification appeared to be based only on an observation of functional data so it was converted to no classification on 2025-07-30.